The following is an entry in ClinVar:

NM_000051.4(ATM):c.7363C>A (p.Leu2455Met)

Genes: ATM (ATM serine/threonine kinase; plus strand), C11orf65 (chromosome 11 open reading frame 65; minus strand). Cytogenetic location: 11q22.3.
Variant type: single nucleotide variant.
Coding change: c.7363C>A on transcript NM_000051.4 (MANE Select); coding-DNA position 7363, C replaced by A.
Protein change: p.Leu2455Met; replaces leucine 2455 with methionine.
Molecular consequence: missense variant. On other transcripts: intron variant (2).
Genome position (GRCh38, 1-based): chr11:108,330,269, C>A. VCF-style: chr11-108330269-C-A. GRCh37 (hg19) VCF-style: chr11-108200996-C-A.
Other names: c.7363C>A, p.Leu2455Met (NM_001351834.2); c.641-21198G>T (NM_001330368.2); c.*38+4951G>T (NM_001351110.2); short protein forms L2455M.
Identifiers: ClinVar variation 4866451 (VCV004866451.1).
Genomic context (GRCh38, chr11:108,330,269, plus strand): 5'-GCAAGATACACAGTAAAGGTTCAGCGAGAGCTGGAGTTGGATGAATTAGCCCTGCGTGCA[C>A]TGAAAGAGGATCGTAAACGCTTCTTATGTAAAGCAGTTGAAAATTATATCAACTGCTTAT-3'
Protein context (NP_000042.3, residues 2445-2465): LELDELALRA[Leu2455Met]KEDRKRFLCK

ClinVar aggregate classification (germline): Uncertain significance (1 of 4 stars; one submission).

Conditions:
Hereditary cancer-predisposing syndrome. Also called: Tumor predisposition; Hereditary neoplastic syndrome; Hereditary Cancer Syndrome; Neoplastic Syndromes, Hereditary. Identifiers: Orphanet 140162, MedGen C0027672, MeSH D009386, MONDO:0015356.

Submission:

Ambry Genetics
Classification: Uncertain significance for Hereditary cancer-predisposing syndrome. Last evaluated: 2026-04-30. Review status: criteria provided, single submitter. Criteria: Ambry Variant Classification Scheme 2023. Collection method: clinical testing. Allele origin: germline.
Comment: The p.L2455M variant (also known as c.7363C>A), located in coding exon 49 of the ATM gene, results from a C to A substitution at nucleotide position 7363. The leucine at codon 2455 is replaced by methionine, an amino acid with highly similar properties. In an assay testing ATM function, this variant showed a functionally normal result (Lee KS et al. Cell, 2025 Sep;188:5081-5099.e27). This amino acid position is highly conserved in available vertebrate species. In addition, the in silico prediction for this alteration is inconclusive. Based on the available evidence, the clinical significance of this variant remains unclear.

Literature cited by the submitters: PubMed 40580951.